The following is an entry in ClinVar:

ClinVar aggregate classification (germline): Likely benign (1 of 4 stars; one submission).

Conditions:
Familial cancer of breast. Also called: Hereditary breast cancer; hereditary breast carcinoma; BREAST CANCER, FAMILIAL. Identifiers: Orphanet 227535, MedGen C0346153, MONDO:0016419, OMIM 114480. Disease mechanism: loss of function.

gnomAD v4.1: 1 of 1,609,096 alleles (0.000062%); highest among the groups gnomAD compares: Non-Finnish European, 0.000085%; no homozygotes.

Submission:

Myriad Genetics, Inc.
Classification: Likely benign for Familial cancer of breast. Last evaluated: 2025-01-16. Review status: criteria provided, single submitter. Criteria: Myriad Autosomal Dominant, Autosomal Recessive and X-Linked Classification Criteria (2023). Collection method: clinical testing. Allele origin: unknown.
Comment: This variant is considered likely benign. This variant is intronic and is not expected to impact mRNA splicing.

NM_024675.4(PALB2):c.2515-13T>C

Gene: PALB2 (partner and localizer of BRCA2; minus strand). Cytogenetic location: 16p12.2.
Variant type: single nucleotide variant.
Coding change: c.2515-13T>C on transcript NM_024675.4 (MANE Select); 13 bases into the intron before coding-DNA position 2515, T replaced by C.
Molecular consequence: intron variant.
Genome position (GRCh38, 1-based): chr16:23,629,288, A>G on the plus strand (T>C on the coding strand, the complement: PALB2 is on the minus strand). VCF-style: chr16-23629288-A-G. GRCh37 (hg19) VCF-style: chr16-23640609-A-G.
Other names: c.1630-13T>C (NM_001407308.1, NM_001407306.1, NM_001407307.1 and 5 more transcripts); c.49-13T>C (NM_001407314.1); c.727-13T>C (NM_001407313.1, NM_001407312.1); c.2455-13T>C (NM_001407296.1); c.2514+352T>C (NM_001407297.1); c.2515-13T>C (NM_001407302.1, NM_001407298.1, NM_001407300.1 and 2 more transcripts).
Identifiers: ClinVar variation 3903562 (VCV003903562.1).